The following is an entry in ClinVar:

NM_001267550.2(TTN):c.104393del (p.Lys34798fs)

Genes: TTN (titin; minus strand), TTN-AS1 (TTN antisense RNA 1; plus strand). Cytogenetic location: 2q31.2.
Variant type: Deletion.
Coding change: c.104393del on transcript NM_001267550.2 (MANE Select); coding-DNA position 104393, one base deleted (A; older notation c.104393delA).
Protein change: p.Lys34798fs; shifts the reading frame from lysine 34798.
Molecular consequence: frameshift variant.
Genome position (GRCh38, 1-based): chr2:178,532,222, T deleted on the plus strand (A on the coding strand, the reverse complement: TTN is on the minus strand); the first of 4 consecutive T bases (chr2:178,532,222-178,532,225); deleting any one gives the same sequence. VCF-style (leftmost placement, unchanged base first): chr2-178532221-CT-C. GRCh37 (hg19) VCF-style: chr2-179396948-CT-C.
Other names: c.99470del, p.Lys33157fs (NM_001256850.1); c.77198del, p.Lys25733fs (NM_003319.4); c.96689del, p.Lys32230fs (NM_133378.4); c.77573del, p.Lys25858fs (NM_133432.3); c.77774del, p.Lys25925fs (NM_133437.4); c.77198delA (NM_003319.4); short protein forms K25858fs, K33157fs, K25733fs, K32230fs, K34798fs, K25925fs.
Identifiers: ClinVar variation 1760287 (VCV001760287.2), dbSNP rs2468441688, ClinGen allele CA2580064616.

ClinVar aggregate classification (germline): Likely pathogenic (1 of 4 stars; one submission).

Conditions:
Cardiovascular phenotype. Identifiers: MedGen CN230736.

Submission:

Ambry Genetics
Classification: Likely pathogenic for Cardiovascular phenotype. Last evaluated: 2020-11-23. Review status: criteria provided, single submitter. Criteria: Ambry Variant Classification Scheme 2023. Collection method: clinical testing. Allele origin: germline.
Comment: The c.77198delA variant, located in coding exon 185 of the TTN gene, results from a deletion of one nucleotide at nucleotide position 77198, causing a translational frameshift with a predicted alternate stop codon (p.K25733Sfs*12). This exon is located in the M-band region of the N2-B isoform of the titin protein and is constitutively expressed in TTN transcripts (percent spliced in or PSI 100%). This variant was not reported in population-based cohorts in the Genome Aggregation Database (gnomAD). This alteration is expected to result in loss of function by premature protein truncation or nonsense-mediated mRNA decay. While truncating variants in TTN are present in 1-3% of the general population, truncating variants in the M-band have been reported in association with autosomal recessive titinopathies, primarily presenting with skeletal myopathy phenotypes (Ceyhan-Birsoy O et al. Neurology. 2013 Oct 1;81(14):1205-14; De Cid R et al. Neurology. 2015;85(24):2126-35). In addition, regardless of their position, TTN truncating variants encoded in constitutive exons (PSI >90%) have been found to be significantly associated with dilated cardiomyopathy (DCM), though truncating variants in the A-band are the most common cause of DCM (Herman DS et al. N. Engl. J. Med., 2012 Feb;366:619-28; Roberts AM et al. Sci Transl Med, 2015 Jan;7:270ra6; Schafer S et al. Nat. Genet., 2017 01;49:46-53). Based on the majority of available evidence to date, this variant is likely to be pathogenic in association with autosomal recessive titinopathy; however, the clinical significance of this alteration with respect to cardiomyopathy remains unclear.